The following is an entry in ClinVar:

NM_005898.5(CAPRIN1):c.1967T>G (p.Phe656Cys)

Gene: CAPRIN1 (cell cycle associated protein 1; plus strand). Cytogenetic location: 11p13.
Variant type: single nucleotide variant.
Coding change: c.1967T>G on transcript NM_005898.5 (MANE Select); coding-DNA position 1967, T replaced by G.
Protein change: p.Phe656Cys; replaces phenylalanine 656 with cysteine.
Molecular consequence: missense variant.
Genome position (GRCh38, 1-based): chr11:34,097,262, T>G. VCF-style: chr11-34097262-T-G. GRCh37 (hg19) VCF-style: chr11-34118809-T-G.
Other names: c.1967T>G, p.Phe656Cys (NM_203364.3); short protein forms F656C.
Identifiers: ClinVar variation 3367404 (VCV003367404.1).

ClinVar aggregate classification (germline): Uncertain significance (1 of 4 stars; one submission).

Submission:

GeneDx
Classification: Uncertain significance. Last evaluated: 2023-12-28. Review status: criteria provided, single submitter. Criteria: GeneDx Variant Classification Process June 2021. Collection method: clinical testing. Allele origin: germline. Affected: yes.
Comment: Not observed at significant frequency in large population cohorts (gnomAD); In silico analysis supports that this missense variant has a deleterious effect on protein structure/function; Has not been previously published as pathogenic or benign to our knowledge